The following is an entry in ClinVar:

NM_016604.4(KDM3B):c.1342G>C (p.Glu448Gln)

Gene: KDM3B (lysine demethylase 3B; plus strand). Cytogenetic location: 5q31.2.
Variant type: single nucleotide variant.
Coding change: c.1342G>C on transcript NM_016604.4 (MANE Select); coding-DNA position 1342, G replaced by C.
Protein change: p.Glu448Gln; replaces glutamic acid 448 with glutamine.
Molecular consequence: missense variant.
Genome position (GRCh38, 1-based): chr5:138,386,583, G>C. VCF-style: chr5-138386583-G-C. GRCh37 (hg19) VCF-style: chr5-137722272-G-C.
Other names: short protein forms E448Q.
Identifiers: ClinVar variation 3051778 (VCV003051778.3), dbSNP rs1580902363, ClinGen allele CA361102155.

ClinVar aggregate classification (germline): Uncertain significance. Review status: criteria provided, single submitter (1 of 4 stars). 2 submissions from 2 submitters: Uncertain significance (1). 1 of the submissions does not count toward it. Last evaluated 2024-09-09.

Conditions:
KDM3B-related disorder. Also called: KDM3B-related condition.

Allele frequency attached by ClinVar (database versions not stated): gnomAD exomes below 0.00001.
gnomAD v4.1: 7 of 1,613,460 alleles (0.00043%); highest among the groups gnomAD compares: Non-Finnish European, 0.00017%; 1 homozygote.

Submissions (2):

Blueprint Genetics
Classification: Uncertain significance. Last evaluated: 2024-09-09. Review status: criteria provided, single submitter. Criteria: ACMG Guidelines, 2015. Collection method: clinical testing. Allele origin: germline.

PreventionGenetics, part of Exact Sciences
Classification: Likely benign for KDM3B-related condition. Last evaluated: 2023-06-02. Review status: no assertion criteria provided. Collection method: clinical testing. Allele origin: germline. Not counted in ClinVar's aggregate classification.
Comment: This variant is classified as likely benign based on ACMG/AMP sequence variant interpretation guidelines (Richards et al. 2015 PMID: 25741868, with internal and published modifications).